The following is an entry in ClinVar:

NM_001048174.2(MUTYH):c.1155G>A (p.Glu385=)

Gene: MUTYH (mutY DNA glycosylase; minus strand). Cytogenetic location: 1p34.1.
Variant type: single nucleotide variant.
Coding change: c.1155G>A on transcript NM_001048174.2 (MANE Select); coding-DNA position 1155, G replaced by A.
Protein change: p.Glu385=; no amino-acid change (glutamic acid 385 retained).
Molecular consequence: synonymous variant. On other transcripts: non-coding transcript variant (2).
Genome position (GRCh38, 1-based): chr1:45,331,504, C>T on the plus strand (G>A on the coding strand, the complement: MUTYH is on the minus strand). VCF-style: chr1-45331504-C-T. GRCh37 (hg19) VCF-style: chr1-45797176-C-T.
Other names: c.1155G>A, p.Glu385= (NM_001048171.2, NM_001048173.2, NM_001293195.2); c.1158G>A, p.Glu386= (NM_001048172.2); c.1239G>A, p.Glu413= (NM_001128425.2); c.1200G>A, p.Glu400= (NM_001293190.2); c.1188G>A, p.Glu396= (NM_001293191.2); c.879G>A, p.Glu293= (NM_001293192.2, NM_001293196.2); c.810G>A, p.Glu270= (NM_001350650.2, NM_001350651.2); c.1230G>A, p.Glu410= (NM_012222.3).
Identifiers: ClinVar variation 382716 (VCV000382716.16), dbSNP rs754860019, ClinGen allele CA055574.

ClinVar aggregate classification (germline): Likely benign. Review status: criteria provided, multiple submitters, no conflicts (2 of 4 stars). 4 submissions from 4 submitters: Likely benign (4). Last evaluated 2025-08-30.

Conditions:
Hereditary cancer-predisposing syndrome. Also called: Neoplastic Syndromes, Hereditary; Hereditary Cancer Syndrome; Hereditary neoplastic syndrome; Tumor predisposition. Identifiers: Orphanet 140162, MedGen C0027672, MeSH D009386, MONDO:0015356.
Familial adenomatous polyposis 2. Also called: ADENOMAS, MULTIPLE COLORECTAL, AUTOSOMAL RECESSIVE; MYH-associated polyposis; Adenomas, multiple colorectal; MUTYH Polyposis; COLORECTAL ADENOMATOUS POLYPOSIS, AUTOSOMAL RECESSIVE; FAP type 2. Identifiers: Orphanet 220460, Orphanet 247798, MedGen C3272841, MONDO:0012041, OMIM 608456.

Allele frequency attached by ClinVar (database versions not stated): gnomAD 0.00001; gnomAD exomes 0.00001; ExAC 0.00002.
gnomAD v4.1: 7 of 1,614,058 alleles (0.00043%); highest among the groups gnomAD compares: African/African-American, 0.0013%; no homozygotes.

Submissions (4):

Labcorp Genetics (formerly Invitae), Labcorp
Classification: Likely benign for Familial adenomatous polyposis 2. Last evaluated: 2025-08-30. Review status: criteria provided, single submitter. Criteria: Invitae Variant Classification Sherloc (09022015). Collection method: clinical testing. Allele origin: germline.

All of Us Research Program, National Institutes of Health
Classification: Likely benign for Familial adenomatous polyposis 2. Last evaluated: 2023-08-15. Review status: criteria provided, single submitter. Criteria: ACMG Guidelines, 2015. Collection method: clinical testing. Allele origin: germline. Inheritance: Autosomal recessive inheritance. Observed: 2 variant alleles, 2 heterozygotes.
Comment: This study involves interpretation of variants in research participants for the purpose of population health screening. Participant phenotype was not available at the time of variant classification. Additional details can be found in publication PMID: 35346344, PMCID: PMC8962531

Ambry Genetics
Classification: Likely benign for Hereditary cancer-predisposing syndrome. Last evaluated: 2019-02-23. Review status: criteria provided, single submitter. Criteria: Ambry Variant Classification Scheme 2023. Collection method: clinical testing. Allele origin: germline.

GeneDx
Classification: Likely benign. Last evaluated: 2018-12-24. Review status: criteria provided, single submitter. Criteria: GeneDx Variant Classification Process June 2021. Collection method: clinical testing. Allele origin: germline. Affected: yes.